The following is an entry in ClinVar:

ClinVar aggregate classification (germline): Uncertain significance (1 of 4 stars; one submission).

Conditions:
Hereditary cancer-predisposing syndrome. Also called: Tumor predisposition; Hereditary Cancer Syndrome; Hereditary neoplastic syndrome; Neoplastic Syndromes, Hereditary. Identifiers: Orphanet 140162, MedGen C0027672, MeSH D009386, MONDO:0015356.

Submission:

Ambry Genetics
Classification: Uncertain significance for Hereditary cancer-predisposing syndrome. Last evaluated: 2023-07-19. Review status: criteria provided, single submitter. Criteria: Ambry Variant Classification Scheme 2023. Collection method: clinical testing. Allele origin: germline.
Comment: The c.724_725delGAinsTG variant (also known as p.D242C), located in coding exon 5 of the RAD51C gene, results from an in-frame deletion of GA and insertion of TG at nucleotide positions 724 to 725. This results in the substitution of the aspartic acid residue for a cysteine residue at codon 242, an amino acid with highly dissimilar properties. This amino acid position is highly conserved in available vertebrate species. In addition, this alteration is predicted to be deleterious by in silico analysis (Choi Y et al. PLoS ONE. 2012; 7(10):e46688). Since supporting evidence is limited at this time, the clinical significance of this alteration remains unclear.

NM_058216.3(RAD51C):c.724_725delinsTG (p.Asp242Cys)

Gene: RAD51C (RAD51 paralog C; plus strand). Cytogenetic location: 17q22.
Variant type: Indel.
Coding change: c.724_725delinsTG on transcript NM_058216.3 (MANE Select); coding-DNA positions 724 to 725, GA replaced by TG.
Protein change: p.Asp242Cys; replaces aspartic acid 242 with cysteine.
Molecular consequence: missense variant. On other transcripts: non-coding transcript variant (1).
Genome position (GRCh38, 1-based): chr17:58,709,877-58,709,878, GA replaced by TG. VCF-style: chr17-58709877-GA-TG. GRCh37 (hg19) VCF-style: chr17-56787238-GA-TG.
Other names: c.*152_*153delGAinsTG (NM_058217.1); short protein forms D242C.
Identifiers: ClinVar variation 2625138 (VCV002625138.2), dbSNP rs2509312887, ClinGen allele CA2582342195.
Genomic context (GRCh38, chr17:58,709,877, plus strand): 5'-TATTTTTCGTAACAAATCTAATATTATCTCTTCTGTATTTAGGTTCGACTAGTGATAGTG[GA>TG]TGGTATTGCTTTTCCATTTCGTCATGACCTAGATGACCTGTCTCTTCGTACTCGGTTATT-3'
Protein context (NP_478123.1, residues 232-252): EHSKVRLVIV[Asp242Cys]GIAFPFRHDL